The following is an entry in ClinVar:

ClinVar aggregate classification (germline): Uncertain significance. Review status: criteria provided, single submitter (1 of 4 stars). 2 submissions from 2 submitters: Uncertain significance (1). 1 of the submissions does not count toward it. Last evaluated 2016-04-01.

Conditions:
Neurodevelopmental disorder. Identifiers: MedGen C1535926, MeSH D065886, MONDO:0700092.

Submissions (2):

GeneDx
Classification: Uncertain significance. Last evaluated: 2016-04-01. Review status: criteria provided, single submitter. Criteria: GeneDx Variant Classification (06012015). Collection method: clinical testing. Allele origin: germline. Affected: yes.
Comment: The Q392Xvariant in the SRCAP gene has not been reported previously as a pathogenic variant nor as a benign variant, to our knowledge. This variant is predicted to cause loss of normal protein function either through protein truncation or nonsense-mediated mRNA decay. The Q392X variant was not observed in approximately 6500 individuals of European and African American ancestry in the NHLBI Exome Sequencing Project, indicating it is not a common benign variant in these populations. We interpret Q392X as a variant of uncertain significance.

Joint Genome Diagnostic Labs from Nijmegen and Maastricht, Radboudumc and MUMC+
Classification: Likely pathogenic for Neurodevelopmental disorder. Last evaluated: 2021-01-10. Review status: no assertion criteria provided. Collection method: research. Allele origin: de novo. Affected: yes. Not counted in ClinVar's aggregate classification.

Literature cited by the submitters: PubMed 33909990 (cited by Joint Genome Diagnostic Labs from Nijmegen and Maastricht, Radboudumc and MUMC+).

NM_006662.3(SRCAP):c.1174C>T (p.Gln392Ter)

Gene: SRCAP (Snf2 related CREBBP activator protein; plus strand). Cytogenetic location: 16p11.2.
Variant type: single nucleotide variant.
Coding change: c.1174C>T on transcript NM_006662.3 (MANE Select); coding-DNA position 1174, C replaced by T.
Protein change: p.Gln392Ter; replaces glutamine 392 with a stop codon.
Molecular consequence: nonsense.
Genome position (GRCh38, 1-based): chr16:30,710,793, C>T. VCF-style: chr16-30710793-C-T. GRCh37 (hg19) VCF-style: chr16-30722114-C-T.
Other names: short protein forms Q392*.
Identifiers: ClinVar variation 488873 (VCV000488873.5), dbSNP rs1555463754, ClinGen allele CA395602970.